The following is an entry in ClinVar:

NM_000059.4(BRCA2):c.3709G>T (p.Ala1237Ser)

Gene: BRCA2 (BRCA2 DNA repair associated; plus strand). Cytogenetic location: 13q13.1.
Variant type: single nucleotide variant.
Coding change: c.3709G>T on transcript NM_000059.4 (MANE Select); coding-DNA position 3709, G replaced by T.
Protein change: p.Ala1237Ser; replaces alanine 1237 with serine.
Molecular consequence: missense variant. On other transcripts: intron variant (2), non-coding transcript variant (1).
Genome position (GRCh38, 1-based): chr13:32,338,064, G>T. VCF-style: chr13-32338064-G-T. GRCh37 (hg19) VCF-style: chr13-32912201-G-T.
Other names: c.425-6494G>T (NM_001406722.1); c.3709G>T, p.Ala1237Ser (NM_001406720.1, NM_001432077.1, NM_001406719.1); c.1909+4677G>T (NM_001406721.1); short protein forms A1237S.
Identifiers: ClinVar variation 3636464 (VCV003636464.2).

ClinVar aggregate classification (germline): Uncertain significance (1 of 4 stars; one submission).

Conditions:
Hereditary breast ovarian cancer syndrome. Also called: Hereditary breast and ovarian cancer syndrome; Hereditary breast and ovarian cancer syndrome (HBOC); BRCA1- and BRCA2-Associated Hereditary Breast and Ovarian Cancer; Hereditary breast and ovarian cancer; Breast and ovarian cancer; Hereditary breast and/or ovarian cancer syndrome. Identifiers: Orphanet 145, MedGen C0677776, MeSH D061325, MONDO:0003582. Disease mechanism: loss of function.

Submission:

Labcorp Genetics (formerly Invitae), Labcorp
Classification: Uncertain significance for Hereditary breast ovarian cancer syndrome. Last evaluated: 2024-08-14. Review status: criteria provided, single submitter. Criteria: Invitae Variant Classification Sherloc (09022015). Collection method: clinical testing. Allele origin: germline.
Comment: This sequence change replaces alanine, which is neutral and non-polar, with serine, which is neutral and polar, at codon 1237 of the BRCA2 protein (p.Ala1237Ser). This variant is not present in population databases (gnomAD no frequency). This variant has not been reported in the literature in individuals affected with BRCA2-related conditions. Invitae Evidence Modeling of protein sequence and biophysical properties (such as structural, functional, and spatial information, amino acid conservation, physicochemical variation, residue mobility, and thermodynamic stability) indicates that this missense variant is not expected to disrupt BRCA2 protein function with a negative predictive value of 95%. In summary, the available evidence is currently insufficient to determine the role of this variant in disease. Therefore, it has been classified as a Variant of Uncertain Significance.